The following is an entry in ClinVar:

NM_017775.4(TTC19):c.676+167A>C

Gene: TTC19 (tetratricopeptide repeat domain 19; plus strand). Cytogenetic location: 17p12.
Variant type: single nucleotide variant.
Coding change: c.676+167A>C on transcript NM_017775.4 (MANE Select); 167 bases into the intron after coding-DNA position 676, A replaced by C.
Molecular consequence: intron variant.
Genome position (GRCh38, 1-based): chr17:16,006,735, A>C. VCF-style: chr17-16006735-A-C. GRCh37 (hg19) VCF-style: chr17-15910049-A-C.
Other names: c.355+167A>C (NM_001271420.2).
Identifiers: ClinVar variation 673278 (VCV000673278.1), dbSNP rs79154513, ClinGen allele CA288189113.
Genomic context (GRCh38, chr17:16,006,735, plus strand): 5'-TTTTGCAAAATAAGTGTCTGTCTTTAAGGTATCAGCAGAAGTTTTGGAATAAGATGTTTT[A>C]TTTAAAATATTTGACTGCTGTTTTGGTGGTGGTTTTTTTTTTAACCCCCTTGGTAACATG-3'

ClinVar aggregate classification (germline): Likely benign (1 of 4 stars; one submission).

Allele frequency attached by ClinVar (database versions not stated): gnomAD 0.00671 and 0.00727; 1000 Genomes Project 0.00699; TOPMed 0.00739; 1000 Genomes Project 30x 0.00953.
gnomAD v4.1: 1,006 of 152,160 alleles (0.66%); highest among the groups gnomAD compares: African/African-American, 2.3%; 14 homozygotes.

Submission:

GeneDx
Classification: Likely benign. Last evaluated: 2018-06-14. Review status: criteria provided, single submitter. Criteria: GeneDx Variant Classification (06012015). Collection method: clinical testing. Allele origin: germline. Affected: yes.
Comment: This variant is considered likely benign or benign based on one or more of the following criteria: it is a conservative change, it occurs at a poorly conserved position in the protein, it is predicted to be benign by multiple in silico algorithms, and/or has population frequency not consistent with disease.